The following is an entry in ClinVar:

ClinVar aggregate classification (germline): Uncertain significance (1 of 4 stars; one submission).

Conditions:
Polyglucosan body myopathy type 1 (PGBM1). Also called: POLYGLUCOSAN BODY MYOPATHY WITHOUT IMMUNODEFICIENCY; Polyglucosan body myopathy 1 with or without immunodeficiency. Identifiers: Orphanet 329173, Orphanet 397937, MedGen C4014605, MONDO:0014389, OMIM 615895.

Submission:

Labcorp Genetics (formerly Invitae), Labcorp
Classification: Uncertain significance for Polyglucosan body myopathy type 1. Last evaluated: 2022-07-16. Review status: criteria provided, single submitter. Criteria: Invitae Variant Classification Sherloc (09022015). Collection method: clinical testing. Allele origin: germline.
Comment: This sequence change replaces valine, which is neutral and non-polar, with glycine, which is neutral and non-polar, at codon 97 of the RBCK1 protein (p.Val97Gly). This variant is not present in population databases (gnomAD no frequency). This variant has not been reported in the literature in individuals affected with RBCK1-related conditions. ClinVar contains an entry for this variant (Variation ID: 1496100). Algorithms developed to predict the effect of missense changes on protein structure and function are either unavailable or do not agree on the potential impact of this missense change (SIFT: "Not Available"; PolyPhen-2: "Benign"; Align-GVGD: "Not Available"). In summary, the available evidence is currently insufficient to determine the role of this variant in disease. Therefore, it has been classified as a Variant of Uncertain Significance.

NM_031229.4(RBCK1):c.290T>G (p.Val97Gly)

Gene: RBCK1 (RANBP2-type and C3HC4-type zinc finger containing 1; plus strand). Cytogenetic location: 20p13.
Variant type: single nucleotide variant.
Coding change: c.290T>G on transcript NM_031229.4 (MANE Select); coding-DNA position 290, T replaced by G.
Protein change: p.Val97Gly; replaces valine 97 with glycine.
Molecular consequence: missense variant. On other transcripts: 5 prime UTR variant (2), non-coding transcript variant (1).
Genome position (GRCh38, 1-based): chr20:417,760, T>G. VCF-style: chr20-417760-T-G. GRCh37 (hg19) VCF-style: chr20-398404-T-G.
Other names: c.-60T>G (NM_001323956.2, NM_001323958.2); c.164T>G, p.Val55Gly (NM_006462.6); short protein forms V55G, V97G.
Identifiers: ClinVar variation 1496100 (VCV001496100.6), dbSNP rs764728866, ClinGen allele CA407950067.